The following is an entry in ClinVar:

ClinVar aggregate classification (germline): Pathogenic (1 of 4 stars; one submission).

Conditions:
Lynch syndrome. Identifiers: Orphanet 144, MedGen C4552100, MONDO:0005835. Disease mechanism: loss of function.

Submission:

All of Us Research Program, National Institutes of Health
Classification: Pathogenic for Lynch syndrome. Last evaluated: 2023-04-10. Review status: criteria provided, single submitter. Criteria: ACMG Guidelines, 2015. Collection method: clinical testing. Allele origin: germline. Inheritance: Autosomal dominant inheritance. Observed: 1 variant allele, 1 heterozygote.
Comment: This variant deletes 5 nucleotides in exon 4 of the MSH6 gene, creating a frameshift and premature translation stop signal. This variant is expected to result in an absent or non-functional protein product. To our knowledge, this variant has not been reported in individuals affected with MSH6-related disorders in the literature. This variant has not been identified in the general population by the Genome Aggregation Database (gnomAD). Loss of MSH6 function is a known mechanism of disease. Based on the available evidence, this variant is classified as Pathogenic.

This study involves interpretation of variants in research participants for the purpose of population health screening. Participant phenotype was not available at the time of variant classification. Additional details can be found in publication PMID: 35346344, PMCID: PMC8962531

NM_000179.3(MSH6):c.752_756del (p.Ile251fs)

Gene: MSH6 (mutS homolog 6; plus strand). Cytogenetic location: 2p16.3.
Variant type: Deletion.
Coding change: c.752_756del on transcript NM_000179.3 (MANE Select); coding-DNA positions 752 to 756, 5 bases deleted (TATCA; older notation c.752_756delTATCA).
Protein change: p.Ile251fs; shifts the reading frame from isoleucine 251.
Molecular consequence: frameshift variant. On other transcripts: 5 prime UTR variant (9), non-coding transcript variant (4), intron variant (1).
Genome position (GRCh38, 1-based): chr2:47,798,735-47,798,739, TATCA deleted; deleting any 5 consecutive bases within chr2:47,798,732-47,798,739 gives the same sequence; the c. name uses the placement nearest the transcript's 3' end. VCF-style (leftmost placement, unchanged base first): chr2-47798731-GTCATA-G. GRCh37 (hg19) VCF-style: chr2-48025870-GTCATA-G.
Other names: c.752_756del, p.Ile251fs (NM_001406817.1, NM_001406796.1, NM_001406798.1 and 4 more transcripts); c.455_459del, p.Ile152fs (NM_001406818.1, NM_001406819.1, NM_001406797.1 and 10 more transcripts); c.362_366del, p.Ile121fs (NM_001281492.2); c.-155_-151del (NM_001281493.2, NM_001281494.2, NM_001406811.1 and 6 more transcripts); c.848_852del, p.Ile283fs (NM_001406795.1, NM_001406802.1); c.227_231del, p.Ile76fs (NM_001406799.1, NM_001406806.1, NM_001406807.1); c.674_678del, p.Ile225fs (NM_001406804.1); c.758_762del, p.Ile253fs (NM_001406813.1); and 2 more; short protein forms I121fs, I152fs, I195fs, I225fs, I251fs, I253fs, I283fs, I76fs.
Identifiers: ClinVar variation 3070253 (VCV003070253.1), dbSNP rs2530569576, ClinGen allele CA2825001110.